The following is an entry in ClinVar:

ClinVar aggregate classification (germline): Uncertain significance. Review status: criteria provided, multiple submitters, no conflicts (2 of 4 stars). 3 submissions from 3 submitters: Uncertain significance (3). Last evaluated 2026-05-05.

Conditions:
Inborn genetic diseases. Identifiers: MedGen C0950123, MeSH D030342.
Acute myeloid leukemia (AML). Also called: Acute myeloid leukemia, adult; AML adult; Acute non-lymphocytic leukemia; Acute granulocytic leukemia; Leukemia, acute myeloid, somatic; Leukemia, acute myelogenous, somatic. Identifiers: Orphanet 519, MedGen C0023467, MeSH D015470, MONDO:0018874, OMIM 601626, HP:0004808. Disease mechanism: Constitutively activated FLT3.
Deafness-lymphedema-leukemia syndrome. Also called: Lymphedema, primary, with myelodysplasia; Emberger syndrome. Identifiers: Orphanet 3226, MedGen C3279664, MONDO:0013540, OMIM 614038.
Monocytopenia with susceptibility to infections. Also called: MONOCYTOPENIA AND MYCOBACTERIAL INFECTION SYNDROME; MONOCYTOPENIA WITH SUSCEPTIBILITY TO MYCOBACTERIAL, FUNGAL, AND PAPILLOMAVIRUS INFECTIONS AND MYELODYSPLASIA; COMBINED IMMUNODEFICIENCY WITH SUSCEPTIBILITY TO MYCOBACTERIAL, VIRAL, AND FUNGAL INFECTIONS; Dendritic cell, monocyte, B lymphocyte, and natural killer lymphocyte deficiency; IMMUNODEFICIENCY 21; GATA2 DEFICIENCY. Identifiers: Orphanet 228423, MedGen C3280030, MONDO:0013607, OMIM 614172.

Allele frequency attached by ClinVar (database versions not stated): gnomAD 0.00001; TOPMed 0.00001; ESP Exome Variant Server 0.00008.

Submissions (3):

Ambry Genetics
Classification: Uncertain significance for Inborn genetic diseases. Last evaluated: 2026-05-05. Review status: criteria provided, single submitter. Criteria: Ambry Variant Classification Scheme 2023. Collection method: clinical testing. Allele origin: germline.
Comment: The p.S168A variant (also known as c.502T>G), located in coding exon 2 of the GATA2 gene, results from a T to G substitution at nucleotide position 502. The serine at codon 168 is replaced by alanine, an amino acid with similar properties. This amino acid position is not well conserved in available vertebrate species. In addition, this alteration is predicted to be tolerated by in silico analysis. Based on the available evidence, the clinical significance of this variant remains unclear.

Labcorp Genetics (formerly Invitae), Labcorp
Classification: Uncertain significance for Monocytopenia with susceptibility to infections; Deafness-lymphedema-leukemia syndrome. Last evaluated: 2024-05-13. Review status: criteria provided, single submitter. Criteria: Invitae Variant Classification Sherloc (09022015). Collection method: clinical testing. Allele origin: germline.
Comment: This sequence change replaces serine, which is neutral and polar, with alanine, which is neutral and non-polar, at codon 168 of the GATA2 protein (p.Ser168Ala). This variant is not present in population databases (gnomAD no frequency). This variant has not been reported in the literature in individuals affected with GATA2-related conditions. ClinVar contains an entry for this variant (Variation ID: 862875). Advanced modeling of protein sequence and biophysical properties (such as structural, functional, and spatial information, amino acid conservation, physicochemical variation, residue mobility, and thermodynamic stability) performed at Invitae indicates that this missense variant is not expected to disrupt GATA2 protein function with a negative predictive value of 95%. In summary, the available evidence is currently insufficient to determine the role of this variant in disease. Therefore, it has been classified as a Variant of Uncertain Significance.

Baylor Genetics
Classification: Uncertain significance for Acute myeloid leukemia. Last evaluated: 2023-07-16. Review status: criteria provided, single submitter. Criteria: ACMG Guidelines, 2015. Collection method: clinical testing. Allele origin: unknown.

NM_032638.5(GATA2):c.502T>G (p.Ser168Ala)

Gene: GATA2 (GATA binding protein 2; minus strand). Cytogenetic location: 3q21.3.
Variant type: single nucleotide variant.
Coding change: c.502T>G on transcript NM_032638.5 (MANE Select); coding-DNA position 502, T replaced by G.
Protein change: p.Ser168Ala; replaces serine 168 with alanine.
Molecular consequence: missense variant.
Genome position (GRCh38, 1-based): chr3:128,486,096, A>C on the plus strand (T>G on the coding strand, the complement: GATA2 is on the minus strand). VCF-style: chr3-128486096-A-C. GRCh37 (hg19) VCF-style: chr3-128204939-A-C.
Other names: c.502T>G, p.Ser168Ala (NM_001145661.2, NM_001145662.1); short protein forms S168A.
Identifiers: ClinVar variation 862875 (VCV000862875.10), dbSNP rs377261969, ClinGen allele CA83371955.